The following is an entry in ClinVar:

NM_001382741.1(FBRSL1):c.813C>T (p.Arg271=)

Gene: FBRSL1 (fibrosin like 1; plus strand). Cytogenetic location: 12q24.33.
Variant type: single nucleotide variant.
Coding change: c.813C>T on transcript NM_001382741.1 (MANE Plus Clinical); coding-DNA position 813, C replaced by T.
Protein change: p.Arg271=; no amino-acid change (arginine 271 retained).
Molecular consequence: synonymous variant. On other transcripts: non-coding transcript variant (1), intron variant (5).
Genome position (GRCh38, 1-based): chr12:132,509,489, C>T. VCF-style: chr12-132509489-C-T. GRCh37 (hg19) VCF-style: chr12-133086075-C-T.
Other names: c.516C>T, p.Arg172= (NM_001382742.1); c.489+1139C>T (NM_001367871.1, NM_001382739.1, NM_001142641.2 and 2 more transcripts).
Identifiers: ClinVar variation 2643643 (VCV002643643.24), dbSNP rs1003362591, ClinGen allele CA246284940.

ClinVar aggregate classification (germline): Likely benign (1 of 4 stars; one submission).

Allele frequency attached by ClinVar (database versions not stated): gnomAD exomes 0.00001; TOPMed 0.00005.
gnomAD v4.1: 13 of 1,238,404 alleles (0.001%); highest among the groups gnomAD compares: Admixed American, 0.017%; no homozygotes.

Submission:

CeGaT Center for Human Genetics Tuebingen
Classification: Likely benign. Last evaluated: 2022-09-01. Review status: criteria provided, single submitter. Criteria: CeGaT Center For Human Genetics Tuebingen Variant Classification Criteria Version 2. Collection method: clinical testing. Allele origin: germline. Affected: yes. Observed: 1 variant allele.
Comment: FBRSL1: BP4, BP7